The following is an entry in ClinVar:

ClinVar aggregate classification (germline): Uncertain significance (1 of 4 stars; one submission).

Conditions:
Danon disease. Also called: Glycogen Storage Disease Type IIb; ANTOPOL DISEASE; PSEUDOGLYCOGENOSIS II; GSD IIb; LYSOSOMAL GLYCOGEN STORAGE DISEASE WITHOUT ACID MALTASE DEFICIENCY. Identifiers: Orphanet 34587, MedGen C0878677, MONDO:0010281, OMIM 300257.

Submission:

Labcorp Genetics (formerly Invitae), Labcorp
Classification: Uncertain significance for Danon disease. Last evaluated: 2024-07-11. Review status: criteria provided, single submitter. Criteria: Invitae Variant Classification Sherloc (09022015). Collection method: clinical testing. Allele origin: germline.
Comment: This sequence change replaces cysteine, which is neutral and slightly polar, with serine, which is neutral and polar, at codon 79 of the LAMP2 protein (p.Cys79Ser). This variant is not present in population databases (gnomAD no frequency). This variant has not been reported in the literature in individuals affected with LAMP2-related conditions. Advanced modeling of protein sequence and biophysical properties (such as structural, functional, and spatial information, amino acid conservation, physicochemical variation, residue mobility, and thermodynamic stability) performed at Invitae indicates that this missense variant is expected to disrupt LAMP2 protein function with a positive predictive value of 80%. In summary, the available evidence is currently insufficient to determine the role of this variant in disease. Therefore, it has been classified as a Variant of Uncertain Significance.

NM_002294.3(LAMP2):c.236G>C (p.Cys79Ser)

Gene: LAMP2 (lysosome associated membrane protein 2; minus strand). Cytogenetic location: Xq24.
Variant type: single nucleotide variant.
Coding change: c.236G>C on transcript NM_002294.3 (MANE Select); coding-DNA position 236, G replaced by C.
Protein change: p.Cys79Ser; replaces cysteine 79 with serine.
Molecular consequence: missense variant.
Genome position (GRCh38, 1-based): chrX:120,455,518, C>G on the plus strand (G>C on the coding strand, the complement: LAMP2 is on the minus strand). VCF-style: chrX-120455518-C-G. GRCh37 (hg19) VCF-style: chrX-119589373-C-G.
Other names: c.236G>C, p.Cys79Ser (NM_013995.2, NM_001122606.1); short protein forms C79S.
Identifiers: ClinVar variation 3659246 (VCV003659246.2).